The following is an entry in ClinVar:

ClinVar aggregate classification (germline): Conflicting classifications of pathogenicity. Review status: criteria provided, conflicting classifications (1 of 4 stars). 8 submissions from 8 submitters: Uncertain significance (4); Benign (1); Likely benign (2). 1 of the submissions does not count toward it. Last evaluated 2026-02-03.

Conditions:
NF1-related disorder. Also called: NF1-related condition. Identifiers: MedGen CN379171.
Neurofibromatosis, type 1 (NF1). Also called: Neurofibromatosis, type I; Peripheral type neurofibromatosis; NEUROFIBROMATOSIS, TYPE I, SOMATIC; VON RECKLINGHAUSEN DISEASE. Identifiers: Orphanet 636, MedGen C0027831, MONDO:0018975, OMIM 162200. Disease mechanism: loss of function.
Cardiovascular phenotype. Identifiers: MedGen CN230736.
Hereditary cancer-predisposing syndrome. Also called: Tumor predisposition; Neoplastic Syndromes, Hereditary; Hereditary Cancer Syndrome; Hereditary neoplastic syndrome. Identifiers: Orphanet 140162, MedGen C0027672, MeSH D009386, MONDO:0015356.
Neurofibromatosis-Noonan syndrome (NFNS). Also called: NEUROFIBROMATOSIS WITH NOONAN PHENOTYPE. Identifiers: Orphanet 638, MedGen C2931482, MONDO:0011035, OMIM 601321. Disease mechanism: loss of function.
Café-au-lait macules with pulmonary stenosis (WTSN). Also called: PULMONIC STENOSIS WITH CAFE-AU-LAIT SPOTS. Identifiers: MedGen C0553586, MONDO:0008672, OMIM 193520.
Neurofibromatosis, familial spinal (FSNF). Identifiers: Orphanet 636, MedGen C1834235, MONDO:0008078, OMIM 162210. Disease mechanism: loss of function.
Juvenile myelomonocytic leukemia (JMML). Also called: LEUKEMIA, JUVENILE MYELOMONOCYTIC, SOMATIC. Identifiers: Orphanet 86834, MedGen C0349639, MONDO:0011908, OMIM 607785, HP:0012209.
Diffuse pediatric-type high-grade glioma, H3-wildtype and IDH-wildtype. Identifiers: MedGen C5669918, MONDO:0858939.

Allele frequency attached by ClinVar (database versions not stated): gnomAD exomes 0.00001 and 0.00003; gnomAD 0.00002 and 0.00003; TOPMed 0.00003; ExAC 0.00004.
gnomAD v4.1: 21 of 1,612,732 alleles (0.0013%); highest among the groups gnomAD compares: African/African-American, 0.004%; no homozygotes.

Submissions (8):

Labcorp Genetics (formerly Invitae), Labcorp
Classification: Benign for Neurofibromatosis, type 1. Last evaluated: 2026-02-03. Review status: criteria provided, single submitter. Criteria: Invitae Variant Classification Sherloc (09022015). Collection method: clinical testing. Allele origin: germline.

Blueprint Genetics
Classification: Likely benign. Last evaluated: 2022-08-18. Review status: criteria provided, single submitter. Criteria: ACMG Guidelines, 2015. Collection method: clinical testing. Allele origin: germline.

Genome-Nilou Lab
Classification: Uncertain significance for Neurofibromatosis, type 1. Last evaluated: 2022-03-15. Review status: criteria provided, single submitter. Criteria: ACMG Guidelines, 2015. Collection method: clinical testing. Allele origin: germline. Affected: no.

Fulgent Genetics
Classification: Uncertain significance for Neurofibromatosis, type 1; Neurofibromatosis, familial spinal; Café-au-lait macules with pulmonary stenosis; Neurofibromatosis-Noonan syndrome; Juvenile myelomonocytic leukemia. Last evaluated: 2021-09-28. Review status: criteria provided, single submitter. Criteria: ACMG Guidelines, 2015. Collection method: clinical testing. Allele origin: unknown.

Ambry Genetics
Classification: Likely benign for Cardiovascular phenotype; Hereditary cancer-predisposing syndrome. Last evaluated: 2021-04-02. Review status: criteria provided, single submitter. Criteria: Ambry Variant Classification Scheme 2023. Collection method: clinical testing. Allele origin: germline.

GeneDx
Classification: Uncertain significance. Last evaluated: 2019-06-21. Review status: criteria provided, single submitter. Criteria: GeneDx Variant Classification Process June 2021. Collection method: clinical testing. Allele origin: germline. Affected: yes.
Comment: In silico analysis, which includes protein predictors and evolutionary conservation, supports a deleterious effect; This variant is associated with the following publications: (PMID: 29684080, 26740943)

Laboratory of Medical Genetics Unit, Bambino Gesù Children's Hospital
Classification: Uncertain significance for Diffuse pediatric-type high-grade glioma, H3-wildtype and IDH-wildtype. Last evaluated: 2018-10-09. Review status: criteria provided, single submitter. Criteria: ACMG Guidelines, 2015. Collection method: research. Allele origin: germline. Affected: yes. Observed: 1 heterozygote.

PreventionGenetics, part of Exact Sciences
Classification: Uncertain significance for NF1-related condition. Last evaluated: 2024-05-10. Review status: no assertion criteria provided. Collection method: clinical testing. Allele origin: germline. Not counted in ClinVar's aggregate classification.
Comment: The NF1 c.5225A>G variant is predicted to result in the amino acid substitution p.Asn1742Ser. This variant was reported in individuals with neurofibromatosis type 1 or breast cancer (described as p.Asn1721Ser in Table S2, Bianchessi et al. 2015. PubMed ID: 26740943; Jarhelle et al. 2019. PubMed ID: 31882575). This variant is reported in 0.012% of alleles in individuals of African descent in gnomAD and has conflicting interpretations of pathogenicity in ClinVar ranging from likely benign to uncertain. At this time, the clinical significance of this variant is uncertain due to the absence of conclusive functional and genetic evidence.

NM_001042492.3(NF1):c.5225A>G (p.Asn1742Ser)

Gene: NF1 (neurofibromin 1; plus strand). Cytogenetic location: 17q11.2.
Variant type: single nucleotide variant.
Coding change: c.5225A>G on transcript NM_001042492.3 (MANE Select); coding-DNA position 5225, A replaced by G.
Protein change: p.Asn1742Ser; replaces asparagine 1742 with serine.
Molecular consequence: missense variant.
Genome position (GRCh38, 1-based): chr17:31,326,209, A>G. VCF-style: chr17-31326209-A-G. GRCh37 (hg19) VCF-style: chr17-29653227-A-G.
Other names: c.5162A>G, p.Asn1721Ser (NM_000267.4); short protein forms N1742S, N1721S.
Identifiers: ClinVar variation 219686 (VCV000219686.20), dbSNP rs745407845, ClinGen allele CA350599.